The following is an entry in ClinVar:

NM_001365999.1(SZT2):c.1472G>A (p.Arg491Gln)

Gene: SZT2 (SZT2 subunit of KICSTOR complex; plus strand). Cytogenetic location: 1p34.2.
Variant type: single nucleotide variant.
Coding change: c.1472G>A on transcript NM_001365999.1 (MANE Select); coding-DNA position 1472, G replaced by A.
Protein change: p.Arg491Gln; replaces arginine 491 with glutamine.
Molecular consequence: missense variant.
Genome position (GRCh38, 1-based): chr1:43,420,959, G>A. VCF-style: chr1-43420959-G-A. GRCh37 (hg19) VCF-style: chr1-43886630-G-A.
Other names: c.1472G>A, p.Arg491Gln (NM_015284.4); short protein forms R491Q.
Identifiers: ClinVar variation 1038412 (VCV001038412.6), dbSNP rs1305657154, ClinGen allele CA340007815.

ClinVar aggregate classification (germline): Uncertain significance (1 of 4 stars; one submission).

Allele frequency attached by ClinVar (database versions not stated): TOPMed below 0.00001; gnomAD 0.00001; gnomAD exomes 0.00001.
gnomAD v4.1: 5 of 1,598,272 alleles (0.00031%); highest among the groups gnomAD compares: Non-Finnish European, 0.00042%; no homozygotes.

Submission:

Labcorp Genetics (formerly Invitae), Labcorp
Classification: Uncertain significance. Last evaluated: 2022-02-10. Review status: criteria provided, single submitter. Criteria: Invitae Variant Classification Sherloc (09022015). Collection method: clinical testing. Allele origin: germline.
Comment: This sequence change replaces arginine, which is basic and polar, with glutamine, which is neutral and polar, at codon 491 of the SZT2 protein (p.Arg491Gln). This variant is present in population databases (no rsID available, gnomAD 0.01%). This variant has not been reported in the literature in individuals affected with SZT2-related conditions. ClinVar contains an entry for this variant (Variation ID: 1038412). Algorithms developed to predict the effect of missense changes on protein structure and function (SIFT, PolyPhen-2, Align-GVGD) all suggest that this variant is likely to be tolerated. Algorithms developed to predict the effect of sequence changes on RNA splicing suggest that this variant may create or strengthen a splice site. In summary, the available evidence is currently insufficient to determine the role of this variant in disease. Therefore, it has been classified as a Variant of Uncertain Significance.